The following is an entry in ClinVar:

NM_022124.6(CDH23):c.5852A>T (p.Asp1951Val)

Gene: CDH23 (cadherin related 23; plus strand). Cytogenetic location: 10q22.1.
Variant type: single nucleotide variant.
Coding change: c.5852A>T on transcript NM_022124.6 (MANE Select); coding-DNA position 5852, A replaced by T.
Protein change: p.Asp1951Val; replaces aspartic acid 1951 with valine.
Molecular consequence: missense variant.
Genome position (GRCh38, 1-based): chr10:71,788,971, A>T. VCF-style: chr10-71788971-A-T. GRCh37 (hg19) VCF-style: chr10-73548728-A-T.
Other names: short protein forms D1951V.
Identifiers: ClinVar variation 1393165 (VCV001393165.7), dbSNP rs1299758893, ClinGen allele CA377149357.

ClinVar aggregate classification (germline): Uncertain significance. Review status: criteria provided, multiple submitters, no conflicts (2 of 4 stars). 3 submissions from 3 submitters: Uncertain significance (2). 1 of the submissions does not count toward it. Last evaluated 2021-09-24.

Conditions:
Usher syndrome type 1D (USH1D). Also called: USHER SYNDROME, TYPE ID. Identifiers: Orphanet 231169, Orphanet 886, MedGen C1832845, MONDO:0010984, OMIM 601067.
Autosomal recessive nonsyndromic hearing loss 12. Also called: DEAFNESS, AUTOSOMAL RECESSIVE 12. Identifiers: Orphanet 90636, MedGen C1832394, MONDO:0011067, OMIM 601386.
Pituitary adenoma 5, multiple types. Identifiers: MedGen C4539685, MONDO:0054601, OMIM 617540.
Retinal dystrophy. Also called: Inherited retinal dystrophy. Identifiers: Orphanet 71862, MedGen C0854723, MeSH D058499, MONDO:0019118, HP:0000556.

Allele frequency attached by ClinVar (database versions not stated): TOPMed below 0.00001; gnomAD 0.00001.
gnomAD v4.1: 1 of 1,600,042 alleles (0.000062%); highest among the groups gnomAD compares: Non-Finnish European, 0.000086%; no homozygotes.

Submissions (3):

Labcorp Genetics (formerly Invitae), Labcorp
Classification: Uncertain significance. Last evaluated: 2021-09-24. Review status: criteria provided, single submitter. Criteria: Invitae Variant Classification Sherloc (09022015). Collection method: clinical testing. Allele origin: germline.
Comment: This sequence change replaces aspartic acid with valine at codon 1951 of the CDH23 protein (p.Asp1951Val). The aspartic acid residue is highly conserved and there is a large physicochemical difference between aspartic acid and valine. This variant is not present in population databases (ExAC no frequency). This variant has not been reported in the literature in individuals affected with CDH23-related conditions. Algorithms developed to predict the effect of missense changes on protein structure and function are either unavailable or do not agree on the potential impact of this missense change (SIFT: "Deleterious"; PolyPhen-2: "Not Available"; Align-GVGD: "Class C65"). In summary, the available evidence is currently insufficient to determine the role of this variant in disease. Therefore, it has been classified as a Variant of Uncertain Significance.

Fulgent Genetics
Classification: Uncertain significance for Usher syndrome type 1D; Autosomal recessive nonsyndromic hearing loss 12; Pituitary adenoma 5, multiple types. Last evaluated: 2021-08-12. Review status: criteria provided, single submitter. Criteria: ACMG Guidelines, 2015. Collection method: clinical testing. Allele origin: unknown.

Institute of Human Genetics, Univ. Regensburg, Univ. Regensburg
Classification: Likely pathogenic for Retinal dystrophy. Last evaluated: 2020-01-01. Review status: no assertion criteria provided. Criteria: ACMG Guidelines, 2015. Collection method: clinical testing. Allele origin: germline. Affected: yes. Not counted in ClinVar's aggregate classification.